The following is an entry in ClinVar:

ClinVar aggregate classification (germline): Likely pathogenic (1 of 4 stars; one submission).

Conditions:
Autosomal recessive nonsyndromic hearing loss 3. Also called: NEUROSENSORY NONSYNDROMIC RECESSIVE DEAFNESS 3. Identifiers: Orphanet 90636, MedGen C1838263, MONDO:0010860, OMIM 600316.

Submission:

Institute of Rare Diseases, West China Hospital, Sichuan University
Classification: Likely pathogenic for Autosomal recessive nonsyndromic hearing loss 3. Last evaluated: 2025-01-09. Review status: criteria provided, single submitter. Criteria: ClinGen HL ACMG Specifications v1. Collection method: research. Allele origin: germline. Affected: yes.
Comment: PVS1;PM2_Supporting

NM_016239.4(MYO15A):c.8662_8696dup (p.Glu2900fs)

Gene: MYO15A (myosin XVA; plus strand). Cytogenetic location: 17p11.2.
Variant type: Duplication.
Coding change: c.8662_8696dup on transcript NM_016239.4 (MANE Select); coding-DNA positions 8662 to 8696, 35 bases duplicated.
Protein change: p.Glu2900fs; shifts the reading frame from glutamic acid 2900.
Molecular consequence: frameshift variant.
Genome position (GRCh38, 1-based): chr17:18,157,014-18,157,048, 35 bases duplicated; duplicating any 35 consecutive bases within chr17:18,157,012-18,157,048 gives the same sequence; the c. name uses the placement nearest the transcript's 3' end. GRCh37 (hg19): chr17:18,060,328-18,060,362.
Other names: short protein forms E2900fs.
Identifiers: ClinVar variation 3601405 (VCV003601405.1).
Genomic context (GRCh38, chr17:18,157,011, plus strand): 5'-CAGGACTCTGACTACGTGGTCGCTGTGAGGAACTTCCTGCCTGAGGACCCTGCGCTGCTG[G>GCTTTCCACAAGGGTGACATCATACACCTGCAGCCC]CTTTCCACAAGGGTGACATCATACACCTGCAGCCCCTAGAGCCACCTCGAGTGGGTCAGT-3'